The following is an entry in ClinVar:

ClinVar aggregate classification (germline): Uncertain significance (1 of 4 stars; one submission).

Conditions:
Epidermolysis bullosa simplex with nail dystrophy (EBS5D). Identifiers: MedGen C4225309, MONDO:0014661, OMIM 616487.
Epidermolysis bullosa simplex, Ogna type (EBS5A). Also called: EPIDERMOLYSIS BULLOSA SIMPLEX 5A, OGNA TYPE; Pidermolysis bullosa simplex 5A, Ogna type. Identifiers: Orphanet 79401, MedGen C0432317, MONDO:0007555, OMIM 131950.
Autosomal recessive limb-girdle muscular dystrophy type 2Q (LGMDR17). Also called: MUSCULAR DYSTROPHY, LIMB-GIRDLE, AUTOSOMAL RECESSIVE 17. Identifiers: Orphanet 254361, MedGen C3150989, MONDO:0013390, OMIM 613723.
Epidermolysis bullosa simplex 5B, with muscular dystrophy (EBS5B). Also called: EPIDERMOLYSIS BULLOSA SIMPLEX AND LIMB-GIRDLE MUSCULAR DYSTROPHY; Epidermolysis bullosa simplex with muscular dystrophy. Identifiers: Orphanet 257, MedGen C2931072, MONDO:0009181, OMIM 226670.
Epidermolysis bullosa simplex 5C, with pyloric atresia (EBS5C). Also called: PLEC-Related Epidermolysis Bullosa with Pyloric Atresia; Epidermolysis bullosa simplex with pyloric atresia; PLEC1-Related Epidermolysis Bullosa with Pyloric Atresia. Identifiers: Orphanet 158684, MedGen C2677349, MONDO:0012807, OMIM 612138.

gnomAD v4.1: 4 of 1,614,020 alleles (0.00025%); highest among the groups gnomAD compares: Non-Finnish European, 0.00034%; no homozygotes.

Submission:

Labcorp Genetics (formerly Invitae), Labcorp
Classification: Uncertain significance for Autosomal recessive limb-girdle muscular dystrophy type 2Q; Epidermolysis bullosa simplex, Ogna type; Epidermolysis bullosa simplex with nail dystrophy; Epidermolysis bullosa simplex 5C, with pyloric atresia; Epidermolysis bullosa simplex 5B, with muscular dystrophy. Last evaluated: 2025-07-03. Review status: criteria provided, single submitter. Criteria: Invitae Variant Classification Sherloc (09022015). Collection method: clinical testing. Allele origin: germline.
Comment: This sequence change replaces alanine, which is neutral and non-polar, with glutamic acid, which is acidic and polar, at codon 2871 of the PLEC protein (p.Ala2871Glu). This variant is not present in population databases (gnomAD no frequency). This variant has not been reported in the literature in individuals affected with PLEC-related conditions. An algorithm developed to predict the effect of missense changes on protein structure and function outputs the following: PolyPhen-2: "Benign". The glutamic acid amino acid residue is found in multiple mammalian species, which suggests that this missense change does not adversely affect protein function. In summary, the available evidence is currently insufficient to determine the role of this variant in disease. Therefore, it has been classified as a Variant of Uncertain Significance.

NM_201384.3(PLEC):c.8531C>A (p.Ala2844Glu)

Gene: PLEC (plectin; minus strand). Cytogenetic location: 8q24.3.
Variant type: single nucleotide variant.
Coding change: c.8531C>A on transcript NM_201384.3 (MANE Select); coding-DNA position 8531, C replaced by A.
Protein change: p.Ala2844Glu; replaces alanine 2844 with glutamic acid.
Molecular consequence: missense variant.
Genome position (GRCh38, 1-based): chr8:143,921,290, G>T on the plus strand (C>A on the coding strand, the complement: PLEC is on the minus strand). VCF-style: chr8-143921290-G-T. GRCh37 (hg19) VCF-style: chr8-144995458-G-T.
Other names: c.8612C>A, p.Ala2871Glu (NM_000445.5); c.5231C>A, p.Ala1744Glu (NM_001410941.1); c.8489C>A, p.Ala2830Glu (NM_201378.4); c.8465C>A, p.Ala2822Glu (NM_201379.3); c.8942C>A, p.Ala2981Glu (NM_201380.4); c.8435C>A, p.Ala2812Glu (NM_201381.3); c.8531C>A, p.Ala2844Glu (NM_201382.4); c.8543C>A, p.Ala2848Glu (NM_201383.3); short protein forms A2848E, A2981E, A2812E, A2822E, A2871E, A1744E, A2830E, A2844E.
Identifiers: ClinVar variation 4788316 (VCV004788316.1).